The following is an entry in ClinVar:

ClinVar aggregate classification (germline): Uncertain significance (1 of 4 stars; one submission).

Conditions:
Osteogenesis imperfecta type I (OI1). Also called: Osteogenesis imperfecta type 1; Classic Non-deforming Osteogenesis Imperfecta with Blue Sclerae; Lobstein disease; OI, TYPE I; OSTEOGENESIS IMPERFECTA TARDA; OSTEOGENESIS IMPERFECTA WITH BLUE SCLERAE. Identifiers: Orphanet 216796, Orphanet 666, MedGen C0023931, MONDO:0008146, OMIM 166200. Disease mechanism: loss of function.

Submission:

Labcorp Genetics (formerly Invitae), Labcorp
Classification: Uncertain significance for Osteogenesis imperfecta type I. Last evaluated: 2023-04-12. Review status: criteria provided, single submitter. Criteria: Invitae Variant Classification Sherloc (09022015). Collection method: clinical testing. Allele origin: germline.
Comment: ClinVar contains an entry for this variant (Variation ID: 2017341). This sequence change falls in intron 29 of the COL1A1 gene. It does not directly change the encoded amino acid sequence of the COL1A1 protein. It affects a nucleotide within the consensus splice site. This variant is not present in population databases (gnomAD no frequency). This variant has been observed in individual(s) with clinical features of osteogenesis imperfecta (Invitae). Variants that disrupt the consensus splice site are a relatively common cause of aberrant splicing (PMID: 17576681, 9536098). Algorithms developed to predict the effect of sequence changes on RNA splicing suggest that this variant may disrupt the consensus splice site. In summary, the available evidence is currently insufficient to determine the role of this variant in disease. Therefore, it has been classified as a Variant of Uncertain Significance.

Literature cited by the submitters: PubMed 17576681; PubMed 9536098.

NM_000088.4(COL1A1):c.1983+2dup

Gene: COL1A1 (collagen type I alpha 1 chain; minus strand). Cytogenetic location: 17q21.33.
Variant type: Duplication.
Coding change: c.1983+2dup on transcript NM_000088.4 (MANE Select); the canonical splice donor site of the intron after coding-DNA position 1983, one base duplicated (T; older notation c.1983+2dupT).
Molecular consequence: splice donor variant.
Genome position (GRCh38, 1-based): chr17:50,192,473, A duplicated on the plus strand (T on the coding strand, the reverse complement: COL1A1 is on the minus strand). VCF-style (leftmost placement, unchanged base first): chr17-50192472-T-TA. GRCh37 (hg19) VCF-style: chr17-48269833-T-TA.
Identifiers: ClinVar variation 2017341 (VCV002017341.4), dbSNP rs2509205423, ClinGen allele CA2580094378.